The following is an entry in ClinVar:

NM_004974.4(KCNA2):c.989T>A (p.Leu330His)

Gene: KCNA2 (potassium voltage-gated channel subfamily A member 2; minus strand). Cytogenetic location: 1p13.3.
Variant type: single nucleotide variant.
Coding change: c.989T>A on transcript NM_004974.4 (MANE Select); coding-DNA position 989, T replaced by A.
Protein change: p.Leu330His; replaces leucine 330 with histidine.
Molecular consequence: missense variant. On other transcripts: intron variant (1).
Genome position (GRCh38, 1-based): chr1:110,603,794, A>T on the plus strand (T>A on the coding strand, the complement: KCNA2 is on the minus strand). VCF-style: chr1-110603794-A-T. GRCh37 (hg19) VCF-style: chr1-111146416-A-T.
Other names: c.894+95T>A (NM_001204269.2); short protein forms L330H.
Identifiers: ClinVar variation 1307978 (VCV001307978.2), dbSNP rs1057523703, ClinGen allele CA341602490.

ClinVar aggregate classification (germline): Uncertain significance (1 of 4 stars; one submission).

Submission:

GeneDx
Classification: Uncertain significance. Last evaluated: 2019-08-20. Review status: criteria provided, single submitter. Criteria: GeneDx Variant Classification Process June 2021. Collection method: clinical testing. Allele origin: germline. Affected: yes.
Comment: Not observed in large population cohorts (Lek et al., 2016); In silico analysis, which includes protein predictors and evolutionary conservation, supports a deleterious effect; Has not been previously published as pathogenic or benign to our knowledge